The following is an entry in ClinVar:

NM_004859.4(CLTC):c.4723G>A (p.Asp1575Asn)

Gene: CLTC (clathrin heavy chain; plus strand). Cytogenetic location: 17q23.1.
Variant type: single nucleotide variant.
Coding change: c.4723G>A on transcript NM_004859.4 (MANE Select); coding-DNA position 4723, G replaced by A.
Protein change: p.Asp1575Asn; replaces aspartic acid 1575 with asparagine.
Molecular consequence: missense variant.
Genome position (GRCh38, 1-based): chr17:59,685,704, G>A. VCF-style: chr17-59685704-G-A. GRCh37 (hg19) VCF-style: chr17-57763065-G-A.
Other names: c.4735G>A, p.Asp1579Asn (NM_001288653.2); short protein forms D1575N, D1579N.
Identifiers: ClinVar variation 2831143 (VCV002831143.3), dbSNP rs2509158712, ClinGen allele CA400422886.

ClinVar aggregate classification (germline): Uncertain significance (1 of 4 stars; one submission).

Submission:

Labcorp Genetics (formerly Invitae), Labcorp
Classification: Uncertain significance. Last evaluated: 2024-01-14. Review status: criteria provided, single submitter. Criteria: Invitae Variant Classification Sherloc (09022015). Collection method: clinical testing. Allele origin: germline.
Comment: This sequence change replaces aspartic acid, which is acidic and polar, with asparagine, which is neutral and polar, at codon 1579 of the CLTC protein (p.Asp1579Asn). This variant is not present in population databases (gnomAD no frequency). This variant has not been reported in the literature in individuals affected with CLTC-related conditions. Advanced modeling of protein sequence and biophysical properties (such as structural, functional, and spatial information, amino acid conservation, physicochemical variation, residue mobility, and thermodynamic stability) performed at Invitae indicates that this missense variant is not expected to disrupt CLTC protein function with a negative predictive value of 80%. In summary, the available evidence is currently insufficient to determine the role of this variant in disease. Therefore, it has been classified as a Variant of Uncertain Significance.